The following is an entry in ClinVar:

ClinVar aggregate classification (germline): Pathogenic/Likely pathogenic. Review status: criteria provided, multiple submitters, no conflicts (2 of 4 stars). 3 submissions from 3 submitters: Pathogenic (2); Likely pathogenic (1). Last evaluated 2025-01-03.

Conditions:
ATM-related cancer predisposition. Also called: ATM-related cancer susceptibility. Identifiers: MedGen CN377759, MONDO:0700270.
Hereditary cancer-predisposing syndrome. Also called: Neoplastic Syndromes, Hereditary; Hereditary Cancer Syndrome; Hereditary neoplastic syndrome; Tumor predisposition. Identifiers: Orphanet 140162, MedGen C0027672, MeSH D009386, MONDO:0015356.

Submissions (3):

Ambry Genetics
Classification: Pathogenic for Hereditary cancer-predisposing syndrome. Last evaluated: 2025-01-03. Review status: criteria provided, single submitter. Criteria: Ambry Variant Classification Scheme 2023. Collection method: clinical testing. Allele origin: germline.
Comment: The p.W1221* pathogenic mutation (also known as c.3662G>A), located in coding exon 24 of the ATM gene, results from a G to A substitution at nucleotide position 3662. This changes the amino acid from a tryptophan to a stop codon within coding exon 24. A different alteration resulting in the same stop codon (c.3663G>A) has been reported in multiple individuals diagnosed with ataxia-telangiectasia (Teraoka SN et al. Am J Hum Genet, 1999 Jun;64:1617-31; Jacquemin V et al. Eur J Hum Genet, 2012 Mar;20:305-12; Hoche F et al. Pediatr Neurol, 2014 Sep;51:297-310) and in a Spanish BRCA1/2 mutation-negative breast/ovarian cancer kindred (Vel&aacute;zquez C et al. Cancers (Basel), 2020 Aug;12:). This variant is considered to be rare based on population cohorts in the Genome Aggregation Database (gnomAD). In addition to the clinical data presented in the literature, this alteration is expected to result in loss of function by premature protein truncation or nonsense-mediated mRNA decay. As such, this alteration is interpreted as a disease-causing mutation.

Illumina Laboratory Services, Illumina
Classification: Likely pathogenic for ATM-related cancer susceptibility. Last evaluated: 2022-05-09. Review status: criteria provided, single submitter. Criteria: ICSLVariantClassificationCriteria RUGD 01 April 2020. Collection method: clinical testing. Allele origin: unknown.
Comment: The ATM gene c.3662G>A (p.Trp1221Ter) nonsense variant results in the substitution of tryptophan at amino acid position 1221 with a stop codon. Loss of normal protein function through either protein truncation or nonsense-mediated mRNA decay is expected. This variant has been reported in a heterozygous state in one individual with familial breast cancer (PMID: 32756499). This variant has also been reported in a compound heterozygous state in at least two individuals with ataxia-telangiectasia (PMID: 10330348; PMID: 19224889 ; PMID: 22071889; PMID: 35095854). This variant is reported in the Genome Aggregation Database in two alleles at a frequency of 0.000029 in the European (non-Finnish) population (version 3.1.2). Based on the available evidence, the c.3662G>A (p.Trp1221Ter) variant is classified as likely pathogenic for ATM-related cancer susceptibility.

Color Diagnostics, LLC DBA Color Health
Classification: Pathogenic for Hereditary cancer-predisposing syndrome. Last evaluated: 2021-04-13. Review status: criteria provided, single submitter. Criteria: ACMG Guidelines, 2015. Collection method: clinical testing. Allele origin: germline.
Comment: This variant changes 1 nucleotide in exon 25 of the ATM gene, creating a premature translation stop signal. This variant is expected to result in an absent or non-functional protein product. To our knowledge, this variant has not been reported in individuals affected with hereditary cancer in the literature. This variant has not been identified in the general population by the Genome Aggregation Database (gnomAD). Loss of ATM function is a known mechanism of disease. Based on the available evidence, this variant is classified as Pathogenic.

Literature cited by the submitters: PubMed 10330348 (cited by Ambry Genetics and Illumina Laboratory Services, Illumina); PubMed 22071889 (cited by Ambry Genetics and Illumina Laboratory Services, Illumina); PubMed 25037873 (cited by Ambry Genetics); PubMed 32756499 (cited by Ambry Genetics and Illumina Laboratory Services, Illumina); PubMed 19224889 (cited by Illumina Laboratory Services, Illumina); PubMed 35095854 (cited by Illumina Laboratory Services, Illumina).

NM_000051.4(ATM):c.3662G>A (p.Trp1221Ter)

Gene: ATM (ATM serine/threonine kinase; plus strand). Cytogenetic location: 11q22.3.
Variant type: single nucleotide variant.
Coding change: c.3662G>A on transcript NM_000051.4 (MANE Select); coding-DNA position 3662, G replaced by A.
Protein change: p.Trp1221Ter; replaces tryptophan 1221 with a stop codon.
Molecular consequence: nonsense.
Genome position (GRCh38, 1-based): chr11:108,282,795, G>A. VCF-style: chr11-108282795-G-A. GRCh37 (hg19) VCF-style: chr11-108153522-G-A.
Other names: c.3662G>A, p.Trp1221Ter (NM_001351834.2); short protein forms W1221*.
Identifiers: ClinVar variation 1332151 (VCV001332151.8), dbSNP rs2135689111, ClinGen allele CA382523096.